The following is an entry in ClinVar:

ClinVar aggregate classification (germline): Uncertain significance (1 of 4 stars; one submission).

Conditions:
Singleton-Merten syndrome 1 (SGMRT1). Also called: Widened medullary cavities of bone, aortic calcification, abnormal dentition, and muscular weakness; Syndrome of widened medullary cavities of the metacarpals and phalanges, aortic calcification and abnormal dentition. Identifiers: Orphanet 85191, MedGen C4225427, MONDO:0024535, OMIM 182250.
Aicardi-Goutieres syndrome 7 (AGS7). Identifiers: Orphanet 51, MedGen C3888244, MONDO:0014367, OMIM 615846.

Submission:

Labcorp Genetics (formerly Invitae), Labcorp
Classification: Uncertain significance for Aicardi-Goutieres syndrome 7; Singleton-Merten syndrome 1. Last evaluated: 2023-08-11. Review status: criteria provided, single submitter. Criteria: Invitae Variant Classification Sherloc (09022015). Collection method: clinical testing. Allele origin: germline.
Comment: In summary, the available evidence is currently insufficient to determine the role of this variant in disease. Therefore, it has been classified as a Variant of Uncertain Significance. An algorithm developed to predict the effect of missense changes on protein structure and function (PolyPhen-2) suggests that this variant is likely to be disruptive. ClinVar contains an entry for this variant (Variation ID: 2125265). This missense change has been observed in at least one individual who was not affected with IFIH1-related conditions (Invitae). This variant has not been reported in the literature in individuals affected with IFIH1-related conditions. This variant is present in population databases (no rsID available, gnomAD 0.003%). This sequence change replaces proline, which is neutral and non-polar, with glutamic acid, which is acidic and polar, at codon 105 of the IFIH1 protein (p.Pro105Glu).

NM_022168.4(IFIH1):c.313_314delinsGA (p.Pro105Glu)

Gene: IFIH1 (interferon induced with helicase C domain 1; minus strand). Cytogenetic location: 2q24.2.
Variant type: Indel.
Coding change: c.313_314delinsGA on transcript NM_022168.4 (MANE Select); coding-DNA positions 313 to 314, CC replaced by GA.
Protein change: p.Pro105Glu; replaces proline 105 with glutamic acid.
Molecular consequence: missense variant.
Genome position (GRCh38, 1-based): chr2:162,317,994-162,317,995, GG replaced by TC on the plus strand (CC replaced by GA on the coding strand, the reverse complement: IFIH1 is on the minus strand). VCF-style: chr2-162317994-GG-TC. GRCh37 (hg19) VCF-style: chr2-163174504-GG-TC.
Other names: short protein forms P105E.
Identifiers: ClinVar variation 2125265 (VCV002125265.4), dbSNP rs2469005653, ClinGen allele CA2580064170.